The following is an entry in ClinVar:

NM_001845.6(COL4A1):c.4755+3A>G

Gene: COL4A1 (collagen type IV alpha 1 chain; minus strand). Cytogenetic location: 13q34.
Variant type: single nucleotide variant.
Coding change: c.4755+3A>G on transcript NM_001845.6 (MANE Select); 3 bases into the intron after coding-DNA position 4755, A replaced by G.
Molecular consequence: intron variant.
Genome position (GRCh38, 1-based): chr13:110,155,280, T>C on the plus strand (A>G on the coding strand, the complement: COL4A1 is on the minus strand). VCF-style: chr13-110155280-T-C. GRCh37 (hg19) VCF-style: chr13-110807627-T-C.
Other names: c.4755+3A>G (NM_001845.4).
Identifiers: ClinVar variation 1448039 (VCV001448039.8), dbSNP rs570472326, ClinGen allele CA7046831.

ClinVar aggregate classification (germline): Conflicting classifications of pathogenicity. Review status: criteria provided, conflicting classifications (1 of 4 stars). 3 submissions from 3 submitters: Uncertain significance (2); Likely benign (1). Last evaluated 2024-09-10.

Conditions:
Brain small vessel disease 1 with or without ocular anomalies (BSVD1). Also called: GOULD SYNDROME 1; PORENCEPHALY, TYPE 1, AUTOSOMAL DOMINANT; BRAIN SMALL VESSEL DISEASE WITH HEMORRHAGE; Brain small vessel disease with or without ocular anomalies. Identifiers: Orphanet 2940, Orphanet 36383, Orphanet 99810, MedGen C4755307, MONDO:0008289, OMIM 175780.
Microangiopathy and leukoencephalopathy, pontine, autosomal dominant. Also called: DEMENTIA, HEREDITARY MULTI-INFARCT, SWEDISH TYPE; Pontine autosomal dominant microangiopathy with leukoencephalopathy. Identifiers: Orphanet 477749, MedGen C5231411, MONDO:0032814, OMIM 618564.
Hemorrhage, intracerebral, susceptibility to (ICH). Also called: Stroke, hemorrhagic, susceptibility to. Identifiers: MedGen C3281105, MONDO:0100533, OMIM 614519.
Autosomal dominant familial hematuria-retinal arteriolar tortuosity-contractures syndrome. Also called: Angiopathy, hereditary, with nephropathy, aneurysms, and muscle cramps; Hereditary Angiopathy with Nephropathy, Aneurysms, and Muscle Cramps (HANAC) Syndrome. Identifiers: Orphanet 73229, MedGen C2673195, MONDO:0012726, OMIM 611773.
Retinal arterial tortuosity. Also called: RETINAL HEMORRHAGE WITH VASCULAR TORTUOSITY; Retinal arteries, tortuosity of. Identifiers: Orphanet 75326, MedGen C0423401, MONDO:0008373, OMIM 180000, HP:0000631.
Inborn genetic diseases. Identifiers: MedGen C0950123, MeSH D030342.

Allele frequency attached by ClinVar (database versions not stated): gnomAD exomes below 0.00001 and 0.00001; ExAC 0.00001; TOPMed 0.00006; gnomAD 0.00009; 1000 Genomes Project 30x 0.00016; 1000 Genomes Project 0.00020.
gnomAD v4.1: 25 of 1,608,892 alleles (0.0016%); highest among the groups gnomAD compares: African/African-American, 0.031%; no homozygotes.

Submissions (3):

Labcorp Genetics (formerly Invitae), Labcorp
Classification: Uncertain significance. Last evaluated: 2024-09-10. Review status: criteria provided, single submitter. Criteria: Invitae Variant Classification Sherloc (09022015). Collection method: clinical testing. Allele origin: germline.
Comment: This sequence change falls in intron 50 of the COL4A1 gene. It does not directly change the encoded amino acid sequence of the COL4A1 protein. It affects a nucleotide within the consensus splice site. This variant is present in population databases (rs570472326, gnomAD 0.02%). This variant has not been reported in the literature in individuals affected with COL4A1-related conditions. ClinVar contains an entry for this variant (Variation ID: 1448039). Variants that disrupt the consensus splice site are a relatively common cause of aberrant splicing (PMID: 17576681, 9536098). Algorithms developed to predict the effect of sequence changes on RNA splicing suggest that this variant is not likely to affect RNA splicing. In summary, the available evidence is currently insufficient to determine the role of this variant in disease. Therefore, it has been classified as a Variant of Uncertain Significance.

Fulgent Genetics
Classification: Likely benign for Brain small vessel disease 1 with or without ocular anomalies; Retinal arterial tortuosity; Autosomal dominant familial hematuria-retinal arteriolar tortuosity-contractures syndrome; Hemorrhage, intracerebral, susceptibility to; Microangiopathy and leukoencephalopathy, pontine, autosomal dominant. Last evaluated: 2024-05-17. Review status: criteria provided, single submitter. Criteria: ACMG Guidelines, 2015. Collection method: clinical testing. Allele origin: germline.

Ambry Genetics
Classification: Uncertain significance for Inborn genetic diseases. Last evaluated: 2021-06-18. Review status: criteria provided, single submitter. Criteria: Ambry Variant Classification Scheme 2023. Collection method: clinical testing. Allele origin: germline.
Comment: The c.4755+3A>G intronic alteration consists of a A to G substitution nucleotides after coding exon 50 in the COL4A1 gene. Based on insufficient or conflicting evidence, the clinical significance of this alteration remains unclear.

Literature cited by the submitters: PubMed 17576681 (cited by Labcorp Genetics (formerly Invitae), Labcorp); PubMed 9536098 (cited by Labcorp Genetics (formerly Invitae), Labcorp).